The following is an entry in ClinVar:

NM_000135.4(FANCA):c.3679G>A (p.Ala1227Thr)

Gene: FANCA (FA complementation group A; minus strand). Cytogenetic location: 16q24.3.
Variant type: single nucleotide variant.
Coding change: c.3679G>A on transcript NM_000135.4 (MANE Select); coding-DNA position 3679, G replaced by A.
Protein change: p.Ala1227Thr; replaces alanine 1227 with threonine.
Molecular consequence: missense variant.
Genome position (GRCh38, 1-based): chr16:89,742,886, C>T on the plus strand (G>A on the coding strand, the complement: FANCA is on the minus strand). VCF-style: chr16-89742886-C-T. GRCh37 (hg19) VCF-style: chr16-89809294-C-T.
Other names: c.3679G>A, p.Ala1227Thr (NM_001286167.3); short protein forms A1227T.
Identifiers: ClinVar variation 2418716 (VCV002418716.6), dbSNP rs2544105875, ClinGen allele CA397485450.
Genomic context (GRCh38, chr16:89,742,886, plus strand): 5'-TTAGCTGCTTCCTGATGTTTTCTTCCCTGACTTGTTGAATCGCAAAGTGCAGTGCAGCAG[C>T]TGAGAGCCAGTCCGGGTTGGGTGCTGGGGAGGCAGCCTCAGGGGAGAGGAAACTGGGACA-3'
Protein context (NP_000126.2, residues 1217-1237): SPAPNPDWLS[Ala1227Thr]AALHFAIQQV

ClinVar aggregate classification (germline): Uncertain significance (1 of 4 stars; one submission).

Conditions:
Fanconi anemia (FA). Also called: Fanconi's anemia. Identifiers: Orphanet 84, MedGen C0015625, MeSH D005199, MONDO:0019391.

Submission:

Labcorp Genetics (formerly Invitae), Labcorp
Classification: Uncertain significance for Fanconi anemia. Last evaluated: 2022-08-23. Review status: criteria provided, single submitter. Criteria: Invitae Variant Classification Sherloc (09022015). Collection method: clinical testing. Allele origin: germline.
Comment: This variant is not present in population databases (gnomAD no frequency). This variant has not been reported in the literature in individuals affected with FANCA-related conditions. Advanced modeling of protein sequence and biophysical properties (such as structural, functional, and spatial information, amino acid conservation, physicochemical variation, residue mobility, and thermodynamic stability) performed at Invitae indicates that this missense variant is expected to disrupt FANCA protein function. This variant disrupts the p.Ala1227 amino acid residue in FANCA. Other variant(s) that disrupt this residue have been observed in individuals with FANCA-related conditions (PMID: 26799702; Invitae), which suggests that this may be a clinically significant amino acid residue. This sequence change replaces alanine, which is neutral and non-polar, with threonine, which is neutral and polar, at codon 1227 of the FANCA protein (p.Ala1227Thr). In summary, the available evidence is currently insufficient to determine the role of this variant in disease. Therefore, it has been classified as a Variant of Uncertain Significance.

Literature cited by the submitters: PubMed 26799702.